The following is an entry in ClinVar:

NM_001308093.3(GATA4):c.449G>A (p.Gly150Glu)

Gene: GATA4 (GATA binding protein 4). Cytogenetic location: 8p23.1.
Variant type: single nucleotide variant.
Coding change: c.449G>A on transcript NM_001308093.3 (MANE Select); coding-DNA position 449, G replaced by A.
Protein change: p.Gly150Glu; replaces glycine 150 with glutamic acid.
Molecular consequence: missense variant. On other transcripts: intron variant (3).
Genome position (GRCh38, 1-based): chr8:11,708,761, G>A. VCF-style: chr8-11708761-G-A. GRCh37 (hg19) VCF-style: chr8-11566270-G-A.
Other names: c.449G>A, p.Gly150Glu (NM_002052.5); c.-6+7983G>A (NM_001308094.2); c.-3+747G>A (NM_001374274.1); c.-3+4457G>A (NM_001374273.1); short protein forms G150E.
Identifiers: ClinVar variation 2658411 (VCV002658411.24), dbSNP rs970087268, ClinGen allele CA370309646.

ClinVar aggregate classification (germline): Uncertain significance (1 of 4 stars; one submission).

gnomAD v4.1: 1 of 1,419,556 alleles (0.00007%); highest among the groups gnomAD compares: Non-Finnish European, 0.000092%; no homozygotes.

Submission:

CeGaT Center for Human Genetics Tuebingen
Classification: Uncertain significance. Last evaluated: 2023-01-01. Review status: criteria provided, single submitter. Criteria: CeGaT Center For Human Genetics Tuebingen Variant Classification Criteria Version 2. Collection method: clinical testing. Allele origin: germline. Affected: yes. Observed: 1 variant allele.
Comment: GATA4: PM2, PP2, PP3